The following is an entry in ClinVar:

NM_001384474.1(LOXHD1):c.6131G>A (p.Arg2044Gln)

Gene: LOXHD1 (lipoxygenase homology PLAT domains 1; minus strand). Cytogenetic location: 18q21.1.
Variant type: single nucleotide variant.
Coding change: c.6131G>A on transcript NM_001384474.1 (MANE Select); coding-DNA position 6131, G replaced by A.
Protein change: p.Arg2044Gln; replaces arginine 2044 with glutamine.
Molecular consequence: missense variant.
Genome position (GRCh38, 1-based): chr18:46,485,070, C>T on the plus strand (G>A on the coding strand, the complement: LOXHD1 is on the minus strand). VCF-style: chr18-46485070-C-T. GRCh37 (hg19) VCF-style: chr18-44065033-C-T.
Other names: c.2798G>A, p.Arg933Gln (NM_001145472.3); c.848G>A, p.Arg283Gln (NM_001145473.3, NM_001173129.2); c.2510G>A, p.Arg837Gln (NM_001308013.2); c.5945G>A, p.Arg1982Gln (NM_144612.7); short protein forms R2044Q, R283Q, R837Q, R1982Q, R933Q.
Identifiers: ClinVar variation 3867705 (VCV003867705.2).

ClinVar aggregate classification (germline): Uncertain significance. Review status: criteria provided, multiple submitters, no conflicts (2 of 4 stars). 2 submissions from 2 submitters: Uncertain significance (2). Last evaluated 2025-04-08.

Conditions:
Inborn genetic diseases. Identifiers: MedGen C0950123, MeSH D030342.

gnomAD v4.1: 31 of 1,550,784 alleles (0.002%); highest among the groups gnomAD compares: African/African-American, 0.04%; no homozygotes.

Submissions (2):

GeneDx
Classification: Uncertain significance. Last evaluated: 2025-04-08. Review status: criteria provided, single submitter. Criteria: GeneDx Variant Classification Process June 2021. Collection method: clinical testing. Allele origin: germline. Affected: yes.
Comment: In silico analysis indicates that this missense variant does not alter protein structure/function; Has not been previously published as pathogenic or benign to our knowledge

Ambry Genetics
Classification: Uncertain significance for Inborn genetic diseases. Last evaluated: 2025-01-24. Review status: criteria provided, single submitter. Criteria: Ambry Variant Classification Scheme 2023. Collection method: clinical testing. Allele origin: germline.